The following is an entry in ClinVar:

NM_004960.4(FUS):c.1550A>G (p.His517Arg)

Gene: FUS (FUS RNA binding protein; plus strand). Cytogenetic location: 16p11.2.
Variant type: single nucleotide variant.
Coding change: c.1550A>G on transcript NM_004960.4 (MANE Select); coding-DNA position 1550, A replaced by G.
Protein change: p.His517Arg; replaces histidine 517 with arginine.
Molecular consequence: missense variant. On other transcripts: non-coding transcript variant (1).
Genome position (GRCh38, 1-based): chr16:31,191,407, A>G. VCF-style: chr16-31191407-A-G. GRCh37 (hg19) VCF-style: chr16-31202728-A-G.
Other names: c.1547A>G, p.His516Arg (NM_001170634.1); c.1538A>G, p.His513Arg (NM_001170937.1); short protein forms H517R, H513R, H516R.
Identifiers: ClinVar variation 427191 (VCV000427191.7), dbSNP rs1085308015, ClinGen allele CA395677337.

ClinVar aggregate classification (germline): Conflicting classifications of pathogenicity. Review status: criteria provided, conflicting classifications (1 of 4 stars). 2 submissions from 2 submitters: Likely pathogenic (1); Uncertain significance (1). Last evaluated 2022-09-16.

Conditions:
Tremor, hereditary essential, 4 (ETM4). Identifiers: MedGen C3539195, MONDO:0013888, OMIM 614782.
Amyotrophic lateral sclerosis type 6. Also called: FUS-Related Amyotrophic Laterial Sclerosis; Amyotrophic lateral sclerosis 6, with or without frontotemporal dementia; AMYOTROPHIC LATERAL SCLEROSIS 6 WITHOUT FRONTOTEMPORAL DEMENTIA. Identifiers: Orphanet 275872, Orphanet 803, MedGen C2931786, MONDO:0011951, OMIM 608030.

Submissions (2):

Labcorp Genetics (formerly Invitae), Labcorp
Classification: Uncertain significance for Tremor, hereditary essential, 4; Amyotrophic lateral sclerosis type 6. Last evaluated: 2022-09-16. Review status: criteria provided, single submitter. Criteria: Invitae Variant Classification Sherloc (09022015). Collection method: clinical testing. Allele origin: germline.
Comment: This variant is not present in population databases (gnomAD no frequency). In summary, the available evidence is currently insufficient to determine the role of this variant in disease. Therefore, it has been classified as a Variant of Uncertain Significance. This variant disrupts the p.His517 amino acid residue in FUS. Other variant(s) that disrupt this residue have been observed in individuals with FUS-related conditions (PMID: 20472325, 28288521), which suggests that this may be a clinically significant amino acid residue. Algorithms developed to predict the effect of missense changes on protein structure and function are either unavailable or do not agree on the potential impact of this missense change (SIFT: "Tolerated"; PolyPhen-2: "Possibly Damaging"; Align-GVGD: "Class C0"). ClinVar contains an entry for this variant (Variation ID: 427191). This variant has not been reported in the literature in individuals affected with FUS-related conditions. This sequence change replaces histidine, which is basic and polar, with arginine, which is basic and polar, at codon 517 of the FUS protein (p.His517Arg).

GeneDx
Classification: Likely pathogenic. Last evaluated: 2017-12-29. Review status: criteria provided, single submitter. Criteria: GeneDx Variant Classification (06012015). Collection method: clinical testing. Allele origin: germline. Affected: yes.
Comment: The H517R variant in the FUS has not been reported previously as a pathogenic variant, nor as a benign variant, to our knowledge. This variant is not observed in large population cohorts (Lek et al., 2016). The H517R variant is a conservative amino acid substitution, which is not likely to impact secondary protein structure as these residues share similar properties. However, in-silico analyses, including protein predictors and evolutionary conservation, support a deleterious effect, as this substitution occurs in the C-terminal region that is highly conserved across species. Missense variants at the same codon (H517D, H517P, H517Q) and in nearby residues (R514G, R514S, R518G, R518K, R521C, R521S, R521G, R521L, R521H) have been reported in the Human Gene Mutation Database in association with amyotrophic lateral sclerosis (Stenson et al., 2014), supporting the functional importance of this region of the protein. We interpret H517R as a likely pathogenic variant.

Literature cited by the submitters: PubMed 20472325 (cited by Labcorp Genetics (formerly Invitae), Labcorp); PubMed 28288521 (cited by Labcorp Genetics (formerly Invitae), Labcorp).